The following is an entry in ClinVar:

ClinVar aggregate classification (germline): Uncertain significance (1 of 4 stars; one submission).

Conditions:
Peutz-Jeghers syndrome (PJS). Also called: POLYPOSIS, HAMARTOMATOUS INTESTINAL; POLYPS-AND-SPOTS SYNDROME; Peutz-Jeghers polyposis; Periorificial lentiginosis syndrome. Identifiers: Orphanet 2869, MedGen C0031269, MeSH D010580, MONDO:0008280, OMIM 175200.

Submission:

Labcorp Genetics (formerly Invitae), Labcorp
Classification: Uncertain significance for Peutz-Jeghers syndrome. Last evaluated: 2015-08-21. Review status: criteria provided, single submitter. Criteria: Invitae Variant Classification Sherloc (09022015). Collection method: clinical testing. Allele origin: germline.
Comment: In summary, this is a novel missense change that is not predicted to affect protein function or cause disease. However, the evidence is insufficient at this time to prove that conclusively. It has been classified as a Variant of Uncertain Significance. Algorithms developed to predict the effect of missense changes on protein structure and function (SIFT, PolyPhen-2, Align-GVGD) all suggest that this variant is likely to be tolerated, but these predictions have not been confirmed by published functional studies. This variant is not present in population databases and has not been reported in the literature. This sequence change replaces alanine with proline at codon 316 of the STK11 protein (p.Ala316Pro). The alanine residue is moderately conserved and there is a small physicochemical difference between alanine and proline.

NM_000455.5(STK11):c.946G>C (p.Ala316Pro)

Gene: STK11 (serine/threonine kinase 11; plus strand). Cytogenetic location: 19p13.3.
Variant type: single nucleotide variant.
Coding change: c.946G>C on transcript NM_000455.5 (MANE Select); coding-DNA position 946, G replaced by C.
Protein change: p.Ala316Pro; replaces alanine 316 with proline.
Molecular consequence: missense variant.
Genome position (GRCh38, 1-based): chr19:1,223,010, G>C. VCF-style: chr19-1223010-G-C. GRCh37 (hg19) VCF-style: chr19-1223009-G-C.
Other names: short protein forms A316P.
Identifiers: ClinVar variation 219902 (VCV000219902.7), dbSNP rs864622303, ClinGen allele CA349972.